The following is an entry in ClinVar:

NM_145290.4(ADGRA3):c.2975T>C (p.Phe992Ser)

Gene: ADGRA3 (adhesion G protein-coupled receptor A3; minus strand). Cytogenetic location: 4p15.2.
Variant type: single nucleotide variant.
Coding change: c.2975T>C on transcript NM_145290.4 (MANE Select); coding-DNA position 2975, T replaced by C.
Protein change: p.Phe992Ser; replaces phenylalanine 992 with serine.
Molecular consequence: missense variant.
Genome position (GRCh38, 1-based): chr4:22,388,696, A>G on the plus strand (T>C on the coding strand, the complement: ADGRA3 is on the minus strand). VCF-style: chr4-22388696-A-G. GRCh37 (hg19) VCF-style: chr4-22390319-A-G.
Other names: short protein forms F992S.
Identifiers: ClinVar variation 958275 (VCV000958275.9), dbSNP rs1713961106, ClinGen allele CA356474395.

ClinVar aggregate classification (germline): Uncertain significance (1 of 4 stars; one submission).

Submission:

Labcorp Genetics (formerly Invitae), Labcorp
Classification: Uncertain significance. Last evaluated: 2019-08-22. Review status: criteria provided, single submitter. Criteria: Invitae Variant Classification Sherloc (09022015). Collection method: clinical testing. Allele origin: germline.
Comment: This sequence change replaces phenylalanine with serine at codon 992 of the ADGRA3 protein (p.Phe992Ser). The phenylalanine residue is highly conserved and there is a large physicochemical difference between phenylalanine and serine. This variant is not present in population databases (ExAC no frequency). This variant has not been reported in the literature in individuals with ADGRA3-related conditions. Algorithms developed to predict the effect of missense changes on protein structure and function are either unavailable or do not agree on the potential impact of this missense change (SIFT: "Tolerated"; PolyPhen-2: "Probably Damaging"; Align-GVGD: "Class C0"). In summary, the available evidence is currently insufficient to determine the role of this variant in disease. Therefore, it has been classified as a Variant of Uncertain Significance.